The following is an entry in ClinVar:

NM_133433.4(NIPBL):c.7744C>T (p.Arg2582Ter)

Gene: NIPBL (NIPBL cohesin loading factor; plus strand). Cytogenetic location: 5p13.2.
Variant type: single nucleotide variant.
Coding change: c.7744C>T on transcript NM_133433.4 (MANE Select); coding-DNA position 7744, C replaced by T.
Protein change: p.Arg2582Ter; replaces arginine 2582 with a stop codon.
Molecular consequence: nonsense.
Genome position (GRCh38, 1-based): chr5:37,060,902, C>T. VCF-style: chr5-37060902-C-T. GRCh37 (hg19) VCF-style: chr5-37061004-C-T.
Other names: c.7744C>T, p.Arg2582Ter (NM_015384.5); short protein forms R2582*.
Identifiers: ClinVar variation 3572971 (VCV003572971.2).

ClinVar aggregate classification (germline): Pathogenic/Likely pathogenic. Review status: criteria provided, multiple submitters, no conflicts (2 of 4 stars). 2 submissions from 2 submitters: Pathogenic (1); Likely pathogenic (1). Last evaluated 2024-12-06.

Conditions:
Cornelia de Lange syndrome 1 (CDLS1). Also called: TYPUS DEGENERATIVUS AMSTELODAMENSIS; Brachmann de Lange syndrome; NIPBL-Related Cornelia de Lange Syndrome. Identifiers: Orphanet 199, MedGen C4551851, MONDO:0007387, OMIM 122470.

Submissions (2):

MVZ Martinsried, Medicover Genetics
Classification: Pathogenic for Cornelia de Lange syndrome 1. Last evaluated: 2024-12-06. Review status: criteria provided, single submitter. Criteria: ACGS Guidelines, 2020. Collection method: clinical testing. Allele origin: de novo. Affected: yes.

Laboratorio de Genetica e Diagnostico Molecular, Hospital Israelita Albert Einstein
Classification: Likely pathogenic for Cornelia de Lange syndrome 1. Last evaluated: 2023-10-10. Review status: criteria provided, single submitter. Criteria: ACMG Guidelines, 2015. Collection method: clinical testing. Allele origin: germline. Affected: yes.
Comment: ACMG classification criteria: PVS1 very strong, PM2 moderate